The following is an entry in ClinVar:

NM_145290.4(ADGRA3):c.1868A>G (p.Lys623Arg)

Gene: ADGRA3 (adhesion G protein-coupled receptor A3; minus strand). Cytogenetic location: 4p15.2.
Variant type: single nucleotide variant.
Coding change: c.1868A>G on transcript NM_145290.4 (MANE Select); coding-DNA position 1868, A replaced by G.
Protein change: p.Lys623Arg; replaces lysine 623 with arginine.
Molecular consequence: missense variant.
Genome position (GRCh38, 1-based): chr4:22,413,756, T>C on the plus strand (A>G on the coding strand, the complement: ADGRA3 is on the minus strand). VCF-style: chr4-22413756-T-C. GRCh37 (hg19) VCF-style: chr4-22415379-T-C.
Other names: c.1868A>G (NM_145290.2); short protein forms K623R.
Identifiers: ClinVar variation 1495374 (VCV001495374.9), dbSNP rs374035964, ClinGen allele CA2873797.

ClinVar aggregate classification (germline): Uncertain significance. Review status: criteria provided, multiple submitters, no conflicts (2 of 4 stars). 2 submissions from 2 submitters: Uncertain significance (2). Last evaluated 2025-05-29.

Allele frequency attached by ClinVar (database versions not stated): ExAC 0.00002; gnomAD 0.00002; gnomAD exomes 0.00002 and 0.00009; TOPMed 0.00003; ESP Exome Variant Server 0.00015.
gnomAD v4.1: 138 of 1,613,834 alleles (0.0086%); highest among the groups gnomAD compares: Non-Finnish European, 0.011%; no homozygotes.

Submissions (2):

Ambry Genetics
Classification: Uncertain significance. Last evaluated: 2025-05-29. Review status: criteria provided, single submitter. Criteria: Ambry Variant Classification Scheme 2023. Collection method: clinical testing. Allele origin: germline.

Labcorp Genetics (formerly Invitae), Labcorp
Classification: Uncertain significance. Last evaluated: 2023-10-17. Review status: criteria provided, single submitter. Criteria: Invitae Variant Classification Sherloc (09022015). Collection method: clinical testing. Allele origin: germline.
Comment: This sequence change replaces lysine, which is basic and polar, with arginine, which is basic and polar, at codon 623 of the ADGRA3 protein (p.Lys623Arg). This variant is present in population databases (rs374035964, gnomAD 0.004%). This variant has not been reported in the literature in individuals affected with ADGRA3-related conditions. ClinVar contains an entry for this variant (Variation ID: 1495374). An algorithm developed to predict the effect of missense changes on protein structure and function (PolyPhen-2) suggests that this variant is likely to be tolerated. In summary, the available evidence is currently insufficient to determine the role of this variant in disease. Therefore, it has been classified as a Variant of Uncertain Significance.